The following is an entry in ClinVar:

ClinVar aggregate classification (germline): Uncertain significance (1 of 4 stars; one submission).

Conditions:
Cortical dysplasia-focal epilepsy syndrome (PTHSL1). Also called: Pitt-Hopkins-like syndrome 1. Identifiers: Orphanet 163681, Orphanet 221150, MedGen C2750246, MONDO:0012400, OMIM 610042.

Allele frequency attached by ClinVar (database versions not stated): gnomAD exomes below 0.00001.
gnomAD v4.1: 1 of 1,614,078 alleles (0.000062%); highest among the groups gnomAD compares: Admixed American, 0.0017%; no homozygotes.

Submission:

Labcorp Genetics (formerly Invitae), Labcorp
Classification: Uncertain significance for Cortical dysplasia-focal epilepsy syndrome. Last evaluated: 2022-11-17. Review status: criteria provided, single submitter. Criteria: Invitae Variant Classification Sherloc (09022015). Collection method: clinical testing. Allele origin: germline.
Comment: In summary, the available evidence is currently insufficient to determine the role of this variant in disease. Therefore, it has been classified as a Variant of Uncertain Significance. Algorithms developed to predict the effect of missense changes on protein structure and function are either unavailable or do not agree on the potential impact of this missense change (SIFT: "Deleterious"; PolyPhen-2: "Probably Damaging"; Align-GVGD: "Class C0"). This variant has not been reported in the literature in individuals affected with CNTNAP2-related conditions. This variant is present in population databases (no rsID available, gnomAD 0.003%). This sequence change replaces tryptophan, which is neutral and slightly polar, with arginine, which is basic and polar, at codon 276 of the CNTNAP2 protein (p.Trp276Arg).

NM_014141.6(CNTNAP2):c.826T>C (p.Trp276Arg)

Gene: CNTNAP2 (contactin associated protein 2; plus strand). Cytogenetic location: 7q35.
Variant type: single nucleotide variant.
Coding change: c.826T>C on transcript NM_014141.6 (MANE Select); coding-DNA position 826, T replaced by C.
Protein change: p.Trp276Arg; replaces tryptophan 276 with arginine.
Molecular consequence: missense variant.
Genome position (GRCh38, 1-based): chr7:147,121,050, T>C. VCF-style: chr7-147121050-T-C. GRCh37 (hg19) VCF-style: chr7-146818142-T-C.
Other names: short protein forms W276R.
Identifiers: ClinVar variation 2060949 (VCV002060949.3), dbSNP rs1410203545, ClinGen allele CA369923862.